The following is an entry in ClinVar:

ClinVar aggregate classification (germline): Uncertain significance (1 of 4 stars; one submission).

Conditions:
Cardiovascular phenotype. Identifiers: MedGen CN230736.

gnomAD v4.1: 4 of 1,613,864 alleles (0.00025%); highest among the groups gnomAD compares: Non-Finnish European, 0.00034%; no homozygotes.

Submission:

Ambry Genetics
Classification: Uncertain significance for Cardiovascular phenotype. Last evaluated: 2026-02-16. Review status: criteria provided, single submitter. Criteria: Ambry Variant Classification Scheme 2023. Collection method: clinical testing. Allele origin: germline.
Comment: The c.4644+4T>C intronic variant results from a T to C substitution 4 nucleotides after coding exon 31 in the MYH7 gene. This nucleotide position is not well conserved in available vertebrate species. In silico splice site analysis predicts that this alteration will not have any significant effect on splicing. Based on the available evidence, the clinical significance of this variant remains unclear.

NM_000257.4(MYH7):c.4644+4T>C

Genes: MHRT (myosin heavy chain associated RNA transcript; plus strand), MYH7 (myosin heavy chain 7; minus strand). Cytogenetic location: 14q11.2.
Variant type: single nucleotide variant.
Coding change: c.4644+4T>C on transcript NM_000257.4 (MANE Select); 4 bases into the intron after coding-DNA position 4644, T replaced by C.
Molecular consequence: intron variant.
Genome position (GRCh38, 1-based): chr14:23,416,864, A>G on the plus strand (T>C on the coding strand, the complement: MYH7 is on the minus strand). VCF-style: chr14-23416864-A-G. GRCh37 (hg19) VCF-style: chr14-23886073-A-G.
Other names: c.4644+4T>C (NM_001407004.1).
Identifiers: ClinVar variation 4844334 (VCV004844334.1).
Genomic context (GRCh38, chr14:23,416,864, plus strand): 5'-GAGAACAGGGACCAAAAGCCTGGAGCTCAGCTCCCTGCACCCCGTGCCCTGCACACACAC[A>G]CACCTCGGCCTCCTCCAGGGCTGACTGCAGCTCCATCTTCTCGGCCTCCAGCTGCTTTCG-3'